The following is an entry in ClinVar:

NM_005630.3(SLCO2A1):c.398-2A>G

Gene: SLCO2A1 (solute carrier organic anion transporter family member 2A1; minus strand). Cytogenetic location: 3q22.1.
Variant type: single nucleotide variant.
Coding change: c.398-2A>G on transcript NM_005630.3 (MANE Select); the canonical splice acceptor site of the intron before coding-DNA position 398, A replaced by G.
Molecular consequence: splice acceptor variant.
Genome position (GRCh38, 1-based): chr3:133,955,195, T>C on the plus strand (A>G on the coding strand, the complement: SLCO2A1 is on the minus strand). VCF-style: chr3-133955195-T-C. GRCh37 (hg19) VCF-style: chr3-133674039-T-C.
Identifiers: ClinVar variation 4823347 (VCV004823347.4).
Genomic context (GRCh38, chr3:133,955,195, plus strand): 5'-GGGAGGCAGGTCCTGCCAATGCTTCTGGCAGAGCTCGGCCTGCAAGCGGCTGTTGTTCCC[T>C]GCAACGAGAGTGCTTGCTGGTCTCCACCACCCTGGTCTCCTGGTTCCACCGGCTGGCCTC-3'

ClinVar aggregate classification (germline): Likely pathogenic (1 of 4 stars; one submission).

Submission:

CeGaT Center for Human Genetics Tuebingen
Classification: Likely pathogenic. Last evaluated: 2026-02-01. Review status: criteria provided, single submitter. Criteria: CeGaT Center For Human Genetics Tuebingen Variant Classification Criteria Version 2. Collection method: clinical testing. Allele origin: germline. Affected: yes. Observed: 1 variant allele.
Comment: SLCO2A1: PVS1:Strong, PM2